The following is an entry in ClinVar:

NM_000318.3(PEX2):c.694A>G (p.Asn232Asp)

Gene: PEX2 (peroxisomal biogenesis factor 2; minus strand). Cytogenetic location: 8q21.13.
Variant type: single nucleotide variant.
Coding change: c.694A>G on transcript NM_000318.3 (MANE Select); coding-DNA position 694, A replaced by G.
Protein change: p.Asn232Asp; replaces asparagine 232 with aspartic acid.
Molecular consequence: missense variant.
Genome position (GRCh38, 1-based): chr8:76,983,485, T>C on the plus strand (A>G on the coding strand, the complement: PEX2 is on the minus strand). VCF-style: chr8-76983485-T-C. GRCh37 (hg19) VCF-style: chr8-77895721-T-C.
Other names: c.694A>G, p.Asn232Asp (NM_001079867.2, NM_001172086.2, NM_001172087.2); short protein forms N232D.
Identifiers: ClinVar variation 1426082 (VCV001426082.3), dbSNP rs1806899956, ClinGen allele CA371556787.

ClinVar aggregate classification (germline): Uncertain significance (1 of 4 stars; one submission).

Conditions:
Peroxisome biogenesis disorder 5A (Zellweger) (PBD5A). Identifiers: Orphanet 912, MedGen C3553940, MONDO:0013932, OMIM 614866.

gnomAD v4.1: 5 of 1,614,124 alleles (0.00031%); highest among the groups gnomAD compares: Non-Finnish European, 0.00042%; no homozygotes.

Submission:

Labcorp Genetics (formerly Invitae), Labcorp
Classification: Uncertain significance for Peroxisome biogenesis disorder 5A (Zellweger). Last evaluated: 2022-08-22. Review status: criteria provided, single submitter. Criteria: Invitae Variant Classification Sherloc (09022015). Collection method: clinical testing. Allele origin: germline.
Comment: This sequence change replaces asparagine, which is neutral and polar, with aspartic acid, which is acidic and polar, at codon 232 of the PEX2 protein (p.Asn232Asp). This variant is not present in population databases (gnomAD no frequency). This variant has not been reported in the literature in individuals affected with PEX2-related conditions. ClinVar contains an entry for this variant (Variation ID: 1426082). Algorithms developed to predict the effect of missense changes on protein structure and function (SIFT, PolyPhen-2, Align-GVGD) all suggest that this variant is likely to be tolerated. In summary, the available evidence is currently insufficient to determine the role of this variant in disease. Therefore, it has been classified as a Variant of Uncertain Significance.